The following is an entry in ClinVar:

ClinVar aggregate classification (germline): Likely benign. Review status: criteria provided, multiple submitters, no conflicts (2 of 4 stars). 3 submissions from 3 submitters: Likely benign (2). 1 of the submissions does not count toward it. Last evaluated 2026-01-26.

Conditions:
COL2A1-related disorder. Also called: COL2A1-related condition; COL2A1-related disorders.

Allele frequency attached by ClinVar (database versions not stated): ExAC 0.00001.

Submissions (3):

Labcorp Genetics (formerly Invitae), Labcorp
Classification: Likely benign. Last evaluated: 2026-01-26. Review status: criteria provided, single submitter. Criteria: Invitae Variant Classification Sherloc (09022015). Collection method: clinical testing. Allele origin: germline.

Blueprint Genetics
Classification: Likely benign. Last evaluated: 2024-02-13. Review status: criteria provided, single submitter. Criteria: ACMG Guidelines, 2015. Collection method: clinical testing. Allele origin: germline.

PreventionGenetics, part of Exact Sciences
Classification: Likely benign for COL2A1-related condition. Last evaluated: 2020-06-01. Review status: no assertion criteria provided. Collection method: clinical testing. Allele origin: germline. Not counted in ClinVar's aggregate classification.
Comment: This variant is classified as likely benign based on ACMG/AMP sequence variant interpretation guidelines (Richards et al. 2015 PMID: 25741868, with internal and published modifications).

NM_001844.5(COL2A1):c.1735-7C>G

Gene: COL2A1 (collagen type II alpha 1 chain; minus strand). Cytogenetic location: 12q13.11.
Variant type: single nucleotide variant.
Coding change: c.1735-7C>G on transcript NM_001844.5 (MANE Select); 7 bases into the intron before coding-DNA position 1735, C replaced by G.
Molecular consequence: intron variant.
Genome position (GRCh38, 1-based): chr12:47,985,100, G>C on the plus strand (C>G on the coding strand, the complement: COL2A1 is on the minus strand). VCF-style: chr12-47985100-G-C. GRCh37 (hg19) VCF-style: chr12-48378883-G-C.
Other names: c.1735-7C>G (NM_001844.4); c.1528-7C>G (NM_033150.3).
Identifiers: ClinVar variation 1982524 (VCV001982524.7), dbSNP rs748601110, ClinGen allele CA6535385.